The following is an entry in ClinVar:

ClinVar aggregate classification (germline): Uncertain significance. Review status: criteria provided, multiple submitters, no conflicts (2 of 4 stars). 2 submissions from 2 submitters: Uncertain significance (2). Last evaluated 2024-10-27.

Conditions:
Hereditary cancer-predisposing syndrome. Also called: Neoplastic Syndromes, Hereditary; Hereditary Cancer Syndrome; Hereditary neoplastic syndrome; Tumor predisposition. Identifiers: Orphanet 140162, MedGen C0027672, MeSH D009386, MONDO:0015356.
Ataxia-telangiectasia syndrome (AT). Also called: ATAXIA-TELANGIECTASIA, COMPLEMENTATION GROUP A; ATAXIA-TELANGIECTASIA, FRESNO VARIANT; Ataxia-telangiectasia, complementation group E; Ataxia telangiectasia (A-T); LOUIS-BAR SYNDROME; Cerebello-oculocutaneous telangiectasia. Identifiers: Orphanet 100, MedGen C0004135, MONDO:0008840, OMIM 208900.

Submissions (2):

Labcorp Genetics (formerly Invitae), Labcorp
Classification: Uncertain significance for Ataxia-telangiectasia syndrome. Last evaluated: 2024-10-27. Review status: criteria provided, single submitter. Criteria: Invitae Variant Classification Sherloc (09022015). Collection method: clinical testing. Allele origin: germline.
Comment: This sequence change replaces leucine, which is neutral and non-polar, with isoleucine, which is neutral and non-polar, at codon 174 of the ATM protein (p.Leu174Ile). This variant is not present in population databases (gnomAD no frequency). This variant has not been reported in the literature in individuals affected with ATM-related conditions. ClinVar contains an entry for this variant (Variation ID: 825548). Invitae Evidence Modeling of protein sequence and biophysical properties (such as structural, functional, and spatial information, amino acid conservation, physicochemical variation, residue mobility, and thermodynamic stability) indicates that this missense variant is not expected to disrupt ATM protein function with a negative predictive value of 95%. In summary, the available evidence is currently insufficient to determine the role of this variant in disease. Therefore, it has been classified as a Variant of Uncertain Significance.

Ambry Genetics
Classification: Uncertain significance for Hereditary cancer-predisposing syndrome. Last evaluated: 2022-09-21. Review status: criteria provided, single submitter. Criteria: Ambry Variant Classification Scheme 2023. Collection method: clinical testing. Allele origin: germline.
Comment: The p.L174I variant (also known as c.520C>A), located in coding exon 5 of the ATM gene, results from a C to A substitution at nucleotide position 520. The leucine at codon 174 is replaced by isoleucine, an amino acid with highly similar properties. This amino acid position is well conserved in available vertebrate species. In addition, this alteration is predicted to be tolerated by in silico analysis. Since supporting evidence is limited at this time, the clinical significance of this alteration remains unclear.

NM_000051.4(ATM):c.520C>A (p.Leu174Ile)

Gene: ATM (ATM serine/threonine kinase; plus strand). Cytogenetic location: 11q22.3.
Variant type: single nucleotide variant.
Coding change: c.520C>A on transcript NM_000051.4 (MANE Select); coding-DNA position 520, C replaced by A.
Protein change: p.Leu174Ile; replaces leucine 174 with isoleucine.
Molecular consequence: missense variant.
Genome position (GRCh38, 1-based): chr11:108,243,976, C>A. VCF-style: chr11-108243976-C-A. GRCh37 (hg19) VCF-style: chr11-108114703-C-A.
Other names: c.520C>A, p.Leu174Ile (NM_001351834.2); short protein forms L174I.
Identifiers: ClinVar variation 825548 (VCV000825548.6), dbSNP rs1565369274, ClinGen allele CA382527533.
Genomic context (GRCh38, chr11:108,243,976, plus strand): 5'-AAAAAATCATGACTAATAATTTTTTTTTTTTTTTAAGAATTGTTCTCTGTGTACTTCAGG[C>A]TCTATCTGAAACCTTCACAAGATGTTCATAGAGTTTTAGTGGCTAGAATAATTCATGCTG-3'
Protein context (NP_000042.3, residues 164-184): WLELFSVYFR[Leu174Ile]YLKPSQDVHR